The following is an entry in ClinVar:

NM_005633.4(SOS1):c.3587A>G (p.Tyr1196Cys)

Gene: SOS1 (SOS Ras/Rac guanine nucleotide exchange factor 1; minus strand). Cytogenetic location: 2p22.1.
Variant type: single nucleotide variant.
Coding change: c.3587A>G on transcript NM_005633.4 (MANE Select); coding-DNA position 3587, A replaced by G.
Protein change: p.Tyr1196Cys; replaces tyrosine 1196 with cysteine.
Molecular consequence: missense variant.
Genome position (GRCh38, 1-based): chr2:38,986,239, T>C on the plus strand (A>G on the coding strand, the complement: SOS1 is on the minus strand). VCF-style: chr2-38986239-T-C. GRCh37 (hg19) VCF-style: chr2-39213380-T-C.
Other names: c.3566A>G, p.Tyr1189Cys (NM_001382394.1); c.3542A>G, p.Tyr1181Cys (NM_001382395.1); short protein forms Y1181C, Y1189C, Y1196C.
Identifiers: ClinVar variation 2629680 (VCV002629680.1), dbSNP rs2528872470, ClinGen allele CA346362802.

ClinVar aggregate classification (germline): Uncertain significance (1 of 4 stars; one submission).

Conditions:
SOS1-related disorder. Also called: SOS1-related condition.

Submission:

PreventionGenetics, part of Exact Sciences
Classification: Uncertain significance for SOS1-related condition. Last evaluated: 2023-01-23. Review status: criteria provided, single submitter. Criteria: ACMG Guidelines, 2015. Collection method: clinical testing. Allele origin: germline.
Comment: The SOS1 c.3587A>G variant is predicted to result in the amino acid substitution p.Tyr1196Cys. To our knowledge, this variant has not been reported in the literature or in a large population database, indicating this variant is rare. At this time, the clinical significance of this variant is uncertain due to the absence of conclusive functional and genetic evidence.